The following is an entry in ClinVar:

ClinVar aggregate classification (germline): Uncertain significance (1 of 4 stars; one submission).

Submission:

Labcorp Genetics (formerly Invitae), Labcorp
Classification: Uncertain significance. Last evaluated: 2024-03-10. Review status: criteria provided, single submitter. Criteria: Invitae Variant Classification Sherloc (09022015). Collection method: clinical testing. Allele origin: germline.
Comment: This sequence change replaces cysteine, which is neutral and slightly polar, with tyrosine, which is neutral and polar, at codon 225 of the DTHD1 protein (p.Cys225Tyr). This variant is not present in population databases (gnomAD no frequency). This variant has not been reported in the literature in individuals affected with DTHD1-related conditions. An algorithm developed to predict the effect of missense changes on protein structure and function (PolyPhen-2) suggests that this variant is likely to be disruptive. In summary, the available evidence is currently insufficient to determine the role of this variant in disease. Therefore, it has been classified as a Variant of Uncertain Significance.

NM_001170700.3(DTHD1):c.1544G>A (p.Cys515Tyr)

Gene: DTHD1 (death domain containing 1; plus strand). Cytogenetic location: 4p14.
Variant type: single nucleotide variant.
Coding change: c.1544G>A on transcript NM_001170700.3 (MANE Select); coding-DNA position 1544, G replaced by A.
Protein change: p.Cys515Tyr; replaces cysteine 515 with tyrosine.
Molecular consequence: missense variant. On other transcripts: non-coding transcript variant (2).
Genome position (GRCh38, 1-based): chr4:36,294,940, G>A. VCF-style: chr4-36294940-G-A. GRCh37 (hg19) VCF-style: chr4-36296562-G-A.
Other names: c.674G>A, p.Cys225Tyr (NM_001136536.5); c.611G>A, p.Cys204Tyr (NM_001378435.1); short protein forms C225Y, C204Y, C515Y.
Identifiers: ClinVar variation 2711317 (VCV002711317.3), dbSNP rs1756307093, ClinGen allele CA356680039.